The following is an entry in ClinVar:

ClinVar aggregate classification (germline): Uncertain significance (1 of 4 stars; one submission).

Conditions:
DCHS1-related disorder. Also called: DCHS1-related condition.

gnomAD v4.1: 8 of 1,613,720 alleles (0.0005%); highest among the groups gnomAD compares: African/African-American, 0.0093%; no homozygotes.

Submission:

PreventionGenetics, part of Exact Sciences
Classification: Uncertain significance for DCHS1-related condition. Last evaluated: 2025-09-13. Review status: criteria provided, single submitter. Criteria: ACMG Guidelines, 2015. Collection method: clinical testing. Allele origin: germline.
Comment: The DCHS1 c.905A>T variant is predicted to result in the amino acid substitution p.Asp302Val. To our knowledge, this variant has not been reported in the literature. This variant is reported in 0.012% of alleles in individuals of African descent in gnomAD. At this time, the clinical significance of this variant is uncertain due to the absence of conclusive functional and genetic evidence.

NM_003737.4(DCHS1):c.905A>T (p.Asp302Val)

Gene: DCHS1 (dachsous cadherin-related 1; minus strand). Cytogenetic location: 11p15.4.
Variant type: single nucleotide variant.
Coding change: c.905A>T on transcript NM_003737.4 (MANE Select); coding-DNA position 905, A replaced by T.
Protein change: p.Asp302Val; replaces aspartic acid 302 with valine.
Molecular consequence: missense variant.
Genome position (GRCh38, 1-based): chr11:6,640,709, T>A on the plus strand (A>T on the coding strand, the complement: DCHS1 is on the minus strand). VCF-style: chr11-6640709-T-A. GRCh37 (hg19) VCF-style: chr11-6661940-T-A.
Other names: short protein forms D302V.
Identifiers: ClinVar variation 4989523 (VCV004989523.1).